The following is an entry in ClinVar:

ClinVar aggregate classification (germline): Uncertain significance (1 of 4 stars; one submission).

Submission:

Women's Health and Genetics/Laboratory Corporation of America, LabCorp
Classification: Uncertain significance. Last evaluated: 2023-05-15. Review status: criteria provided, single submitter. Criteria: LabCorp Variant Classification Summary - May 2015. Collection method: clinical testing. Allele origin: germline.
Comment: Variant summary: MAP2K2 c.-16G>A is located in the untranslated mRNA region upstream of the initiation codon. The variant was absent in 55018 control chromosomes. The available data on variant occurrences in the general population are insufficient to allow any conclusion about variant significance. To our knowledge, no occurrence of c.-16G>A in individuals affected with Cardiofaciocutaneous Syndrome and no experimental evidence demonstrating its impact on protein function have been reported. No clinical diagnostic laboratories have submitted clinical-significance assessments for this variant to ClinVar after 2014. Based on the evidence outlined above, the variant was classified as uncertain significance.

NM_030662.4(MAP2K2):c.-16G>A

Genes: MAP2K2 (mitogen-activated protein kinase kinase 2; minus strand), LOC130063193 (ATAC-STARR-seq lymphoblastoid silent region 9881; plus strand). Cytogenetic location: 19p13.3.
Variant type: single nucleotide variant.
Coding change: c.-16G>A on transcript NM_030662.4 (MANE Select); 16 bases upstream of the start codon, G replaced by A.
Molecular consequence: 5 prime UTR variant.
Genome position (GRCh38, 1-based): chr19:4,123,891, C>T on the plus strand (G>A on the coding strand, the complement: MAP2K2 is on the minus strand). VCF-style: chr19-4123891-C-T. GRCh37 (hg19) VCF-style: chr19-4123888-C-T.
Identifiers: ClinVar variation 1722463 (VCV001722463.2), dbSNP rs1379607582, ClinGen allele CA2580096981.